The following is an entry in ClinVar:

NM_000487.6(ARSA):c.190T>G (p.Phe64Val)

Gene: ARSA (arylsulfatase A; minus strand). Cytogenetic location: 22q13.33.
Variant type: single nucleotide variant.
Coding change: c.190T>G on transcript NM_000487.6 (MANE Select); coding-DNA position 190, T replaced by G.
Protein change: p.Phe64Val; replaces phenylalanine 64 with valine.
Molecular consequence: missense variant. On other transcripts: intron variant (2).
Genome position (GRCh38, 1-based): chr22:50,627,590, A>C on the plus strand (T>G on the coding strand, the complement: ARSA is on the minus strand). VCF-style: chr22-50627590-A-C. GRCh37 (hg19) VCF-style: chr22-51066018-A-C.
Other names: c.190T>G, p.Phe64Val (NM_001085425.3, NM_001085426.3, NM_001085427.3); c.-34-184T>G (NM_001362782.2, NM_001085428.3); short protein forms F64V.
Identifiers: ClinVar variation 4292663 (VCV004292663.1).

ClinVar aggregate classification (germline): Uncertain significance (1 of 4 stars; one submission).

Conditions:
Metachromatic leukodystrophy (MLD). Also called: ARSA DEFICIENCY; CEREBROSIDE SULFATASE DEFICIENCY; METACHROMATIC LEUKOENCEPHALOPATHY; SULFATIDE LIPIDOSIS; Cerebral sclerosis diffuse metachromatic form; Arylsulfatase A Deficiency. Identifiers: Orphanet 512, MedGen C0023522, MONDO:0018868, OMIM 250100.

Submission:

3billion
Classification: Uncertain significance for Metachromatic leukodystrophy. Last evaluated: 2024-11-08. Review status: criteria provided, single submitter. Criteria: ACMG Guidelines, 2015. Collection method: clinical testing. Allele origin: germline. Affected: yes.
Comment: The variant is observed at an extremely low frequency in the gnomAD v4.1.0 dataset (total allele frequency: <0.001%). Predicted Consequence/Location: Missense variant In silico tool predictions suggest damaging effect of the variant on gene or gene product [REVEL: 0.91 (>=0.6, sensitivity 0.68 and specificity 0.92); 3Cnet: 0.82 (>=0.6, sensitivity 0.72 and precision 0.9)]. A different missense change at the same codon (p.Phe64Ile) has been reported to be associated with ARSA related disorder (PMID: 33385934). However the evidence of pathogenicity is insufficient at this time. Therefore, this variant is classified as VUS according to the recommendation of ACMG/AMP guideline.

Literature cited by the submitters: PubMed 33385934.